The following is an entry in ClinVar:

ClinVar aggregate classification (germline): Uncertain significance. Review status: criteria provided, multiple submitters, no conflicts (2 of 4 stars). 3 submissions from 3 submitters: Uncertain significance (3). Last evaluated 2025-10-21.

Conditions:
Autosomal dominant Parkinson disease 8. Also called: Parkinson disease 8, susceptibility to; LRRK2-Related Parkinson Disease; Parkinson disease 8. Identifiers: Orphanet 411602, MedGen C1846862, MONDO:0011764, OMIM 607060.
Inborn genetic diseases. Identifiers: MedGen C0950123, MeSH D030342.

Allele frequency attached by ClinVar (database versions not stated): gnomAD exomes below 0.00001; TOPMed below 0.00001.
gnomAD v4.1: 20 of 1,611,752 alleles (0.0012%); highest among the groups gnomAD compares: Non-Finnish European, 0.0014%; no homozygotes.

Submissions (3):

Labcorp Genetics (formerly Invitae), Labcorp
Classification: Uncertain significance for Autosomal dominant Parkinson disease 8. Last evaluated: 2025-10-21. Review status: criteria provided, single submitter. Criteria: Invitae Variant Classification Sherloc (09022015). Collection method: clinical testing. Allele origin: germline.
Comment: This sequence change replaces lysine, which is basic and polar, with asparagine, which is neutral and polar, at codon 2382 of the LRRK2 protein (p.Lys2382Asn). This variant is present in population databases (no rsID available, gnomAD 0.003%). This variant has not been reported in the literature in individuals affected with LRRK2-related conditions. ClinVar contains an entry for this variant (Variation ID: 1475709). Invitae Evidence Modeling of protein sequence and biophysical properties (such as structural, functional, and spatial information, amino acid conservation, physicochemical variation, residue mobility, and thermodynamic stability) has been performed for this missense variant. However, the output from this modeling did not meet the statistical confidence thresholds required to predict the impact of this variant on LRRK2 protein function. In summary, the available evidence is currently insufficient to determine the role of this variant in disease. Therefore, it has been classified as a Variant of Uncertain Significance.

Ambry Genetics
Classification: Uncertain significance for Inborn genetic diseases. Last evaluated: 2024-03-06. Review status: criteria provided, single submitter. Criteria: Ambry Variant Classification Scheme 2023. Collection method: clinical testing. Allele origin: germline.
Comment: The p.K2382N variant (also known as c.7146A>C), located in coding exon 48 of the LRRK2 gene, results from an A to C substitution at nucleotide position 7146. The lysine at codon 2382 is replaced by asparagine, an amino acid with similar properties. This amino acid position is conserved. In addition, this alteration is predicted to be tolerated by in silico analysis. Since supporting evidence is limited at this time, the clinical significance of this alteration remains unclear.

Fulgent Genetics
Classification: Uncertain significance for Autosomal dominant Parkinson disease 8. Last evaluated: 2022-05-04. Review status: criteria provided, single submitter. Criteria: ACMG Guidelines, 2015. Collection method: clinical testing. Allele origin: unknown.

NM_198578.4(LRRK2):c.7146A>C (p.Lys2382Asn)

Gene: LRRK2 (leucine rich repeat kinase 2; plus strand). Cytogenetic location: 12q12.
Variant type: single nucleotide variant.
Coding change: c.7146A>C on transcript NM_198578.4 (MANE Select); coding-DNA position 7146, A replaced by C.
Protein change: p.Lys2382Asn; replaces lysine 2382 with asparagine.
Molecular consequence: missense variant.
Genome position (GRCh38, 1-based): chr12:40,363,519, A>C. VCF-style: chr12-40363519-A-C. GRCh37 (hg19) VCF-style: chr12-40757321-A-C.
Other names: short protein forms K2382N.
Identifiers: ClinVar variation 1475709 (VCV001475709.9), dbSNP rs919570241, ClinGen allele CA235359664.